The following is an entry in ClinVar:

NM_003072.5(SMARCA4):c.26G>A (p.Gly9Asp)

Gene: SMARCA4 (SWI/SNF related BAF chromatin remodeling complex subunit ATPase 4; plus strand). Cytogenetic location: 19p13.2.
Variant type: single nucleotide variant.
Coding change: c.26G>A on transcript NM_003072.5 (MANE Select); coding-DNA position 26, G replaced by A.
Protein change: p.Gly9Asp; replaces glycine 9 with aspartic acid.
Molecular consequence: missense variant. On other transcripts: non-coding transcript variant (1).
Genome position (GRCh38, 1-based): chr19:10,984,177, G>A. VCF-style: chr19-10984177-G-A. GRCh37 (hg19) VCF-style: chr19-11094853-G-A.
Other names: c.26G>A, p.Gly9Asp (NM_001128844.3, NM_001128845.2, NM_001128846.2 and 5 more transcripts); short protein forms G9D.
Identifiers: ClinVar variation 1406146 (VCV001406146.11), dbSNP rs2145720650, ClinGen allele CA404053902.

ClinVar aggregate classification (germline): Uncertain significance. Review status: criteria provided, multiple submitters, no conflicts (2 of 4 stars). 2 submissions from 2 submitters: Uncertain significance (2). Last evaluated 2025-04-11.

Conditions:
Hereditary cancer-predisposing syndrome. Also called: Hereditary neoplastic syndrome; Hereditary Cancer Syndrome; Neoplastic Syndromes, Hereditary; Tumor predisposition. Identifiers: Orphanet 140162, MedGen C0027672, MeSH D009386, MONDO:0015356.
Rhabdoid tumor predisposition syndrome 2 (RTPS2). Identifiers: Orphanet 231108, Orphanet 69077, MedGen C2750074, MONDO:0013224, OMIM 613325.

Submissions (2):

Ambry Genetics
Classification: Uncertain significance for Hereditary cancer-predisposing syndrome. Last evaluated: 2025-04-11. Review status: criteria provided, single submitter. Criteria: Ambry Variant Classification Scheme 2023. Collection method: clinical testing. Allele origin: germline.
Comment: The p.G9D variant (also known as c.26G>A), located in coding exon 1 of the SMARCA4 gene, results from a G to A substitution at nucleotide position 26. The glycine at codon 9 is replaced by aspartic acid, an amino acid with similar properties. This amino acid position is highly conserved in available vertebrate species. In addition, this alteration is predicted to be deleterious by in silico analysis. Based on the available evidence, the clinical significance of this variant remains unclear.

Labcorp Genetics (formerly Invitae), Labcorp
Classification: Uncertain significance for Rhabdoid tumor predisposition syndrome 2. Last evaluated: 2024-07-30. Review status: criteria provided, single submitter. Criteria: Invitae Variant Classification Sherloc (09022015). Collection method: clinical testing. Allele origin: germline.
Comment: This sequence change replaces glycine, which is neutral and non-polar, with aspartic acid, which is acidic and polar, at codon 9 of the SMARCA4 protein (p.Gly9Asp). This variant is not present in population databases (gnomAD no frequency). This variant has not been reported in the literature in individuals affected with SMARCA4-related conditions. ClinVar contains an entry for this variant (Variation ID: 1406146). Advanced modeling of protein sequence and biophysical properties (such as structural, functional, and spatial information, amino acid conservation, physicochemical variation, residue mobility, and thermodynamic stability) has been performed at Invitae for this missense variant, however the output from this modeling did not meet the statistical confidence thresholds required to predict the impact of this variant on SMARCA4 protein function. In summary, the available evidence is currently insufficient to determine the role of this variant in disease. Therefore, it has been classified as a Variant of Uncertain Significance.